The following is an entry in ClinVar:

NM_206933.4(USH2A):c.7595-3_7596delinsGAGAG

Gene: USH2A (usherin; minus strand). Cytogenetic location: 1q41.
Variant type: Indel.
Coding change: c.7595-3_7596delinsGAGAG on transcript NM_206933.4 (MANE Select); 3 bases into the intron before coding-DNA position 7595 through coding-DNA position 7596, CAGAA replaced by GAGAG.
Molecular consequence: splice acceptor variant.
Genome position (GRCh38, 1-based): chr1:215,889,053-215,889,057, TTCTG replaced by CTCTC on the plus strand (CAGAA replaced by GAGAG on the coding strand, the reverse complement: USH2A is on the minus strand). VCF-style: chr1-215889053-TTCTG-CTCTC. GRCh37 (hg19) VCF-style: chr1-216062395-TTCTG-CTCTC.
Identifiers: ClinVar variation 2574715 (VCV002574715.1), dbSNP rs2464751321, ClinGen allele CA2580612548.

ClinVar aggregate classification (germline): Likely pathogenic (1 of 4 stars; one submission).

Submission:

GeneDx
Classification: Likely pathogenic. Last evaluated: 2023-08-03. Review status: criteria provided, single submitter. Criteria: GeneDx Variant Classification Process June 2021. Collection method: clinical testing. Allele origin: germline. Affected: yes.
Comment: Canonical splice site variant predicted to result in a null allele in a gene for which loss of function is a known mechanism of disease; Not observed at significant frequency in large population cohorts (gnomAD); Has not been previously published as pathogenic or benign to our knowledge